The following is an entry in ClinVar:

ClinVar aggregate classification (germline): Pathogenic. Review status: criteria provided, multiple submitters, no conflicts (2 of 4 stars). 7 submissions from 7 submitters: Pathogenic (6). 1 of the submissions does not count toward it. Last evaluated 2025-05-22.

Conditions:
Nephronophthisis 1 (NPHP1). Also called: Nephronophthisis familial juvenile. Identifiers: Orphanet 655, Orphanet 93592, MedGen C1855681, MONDO:0009728, OMIM 256100.
Joubert syndrome with renal defect. Also called: JOUBERT SYNDROME 4. Identifiers: Orphanet 220497, MedGen C1846790, MONDO:0012308, OMIM 609583.
Senior-Loken syndrome 1 (SLSN1). Also called: JUVENILE NEPHRONOPHTHISIS WITH LEBER AMAUROSIS. Identifiers: Orphanet 3156, MedGen C4551559, MONDO:0009962, OMIM 266900.
NPHP1-related disorder. Also called: NPHP1-related condition; NPHP1-related disorders.
Nephronophthisis. Also called: Juvenile Nephronophthisis. Identifiers: Orphanet 655, MedGen C0687120, MONDO:0019005, HP:0000090.

Allele frequency attached by ClinVar (database versions not stated): ExAC 0.00001; gnomAD exomes 0.00001; gnomAD 0.00002 and 0.00003; TOPMed 0.00003; 1000 Genomes Project 30x 0.00016; 1000 Genomes Project 0.00020.
gnomAD v4.1: 26 of 1,613,240 alleles (0.0016%); highest among the groups gnomAD compares: East Asian, 0.0022%; no homozygotes.

Submissions (7):

Labcorp Genetics (formerly Invitae), Labcorp
Classification: Pathogenic for Nephronophthisis. Last evaluated: 2025-05-22. Review status: criteria provided, single submitter. Criteria: Invitae Variant Classification Sherloc (09022015). Collection method: clinical testing. Allele origin: germline.
Comment: This sequence change creates a premature translational stop signal (p.Arg586*) in the NPHP1 gene. It is expected to result in an absent or disrupted protein product. Loss-of-function variants in NPHP1 are known to be pathogenic (PMID: 23559409). This variant is present in population databases (rs547352656, gnomAD 0.0009%). This premature translational stop signal has been observed in individuals with nephronophthisis (PMID: 10620543, 17855640, 27806791). It has also been observed to segregate with disease in related individuals. This variant is also known as Arg585Ter. ClinVar contains an entry for this variant (Variation ID: 1030710). For these reasons, this variant has been classified as Pathogenic.

3billion
Classification: Pathogenic for Nephronophthisis 1. Last evaluated: 2024-06-23. Review status: criteria provided, single submitter. Criteria: ACMG Guidelines, 2015. Collection method: clinical testing. Allele origin: germline. Affected: yes.
Comment: The variant is observed at an extremely low frequency in the gnomAD v4.0.0 dataset (total allele frequency: 0.002%). Predicted Consequence/Location: Stop-gained (nonsense): predicted to result in a loss or disruption of normal protein function through nonsense-mediated decay (NMD) or protein truncation. Multiple pathogenic variants are reported downstream of the variant. The variant has been reported at least twice as pathogenic without evidence for the classification (ClinVar ID: VCV001030710 /PMID: 10620543). Therefore, this variant is classified as Pathogenic according to the recommendation of ACMG/AMP guideline.

Fulgent Genetics
Classification: Pathogenic for Nephronophthisis 1; Senior-Loken syndrome 1; Joubert syndrome with renal defect. Last evaluated: 2024-06-06. Review status: criteria provided, single submitter. Criteria: ACMG Guidelines, 2015. Collection method: clinical testing. Allele origin: germline.

Victorian Clinical Genetics Services, Murdoch Childrens Research Institute
Classification: Pathogenic for Nephronophthisis 1. Last evaluated: 2023-07-17. Review status: criteria provided, single submitter. Criteria: ACMG Guidelines, 2015. Collection method: clinical testing. Allele origin: germline. Inheritance: Autosomal recessive inheritance. Affected: yes.
Comment: Based on the classification scheme VCGS_Germline_v1.3.4, this variant is classified as Pathogenic. Following criteria are met: 0102 - Loss of function is a known mechanism of disease in this gene and is associated with nephronophthisis 1, juvenile (MIM#256100), Joubert syndrome 4 (MIM#609583) and Senior-Loken syndrome-1 (MIM#266900). (I) 0106 - This gene is associated with autosomal recessive disease. (I) 0201 - Variant is predicted to cause nonsense-mediated decay (NMD) and loss of protein (premature termination codon is located at least 54 nucleotides upstream of the final exon-exon junction). (SP) 0252 - This variant is homozygous. (I) 0304 - Variant is present in gnomAD (v3) <0.01 for a recessive condition (5 heterozygotes, 0 homozygotes). (SP) 0701 - Other NMD predicted variants comparable to the one identified in this case have very strong previous evidence for pathogenicity (DECIPHER). (SP) 0801 - This variant has strong previous evidence of pathogenicity in unrelated individuals. This variant has been classified as pathogenic by clinical laboratories in ClinVar and has been observed as compound heterozygous in individuals with nephronophthisis (PMIDs: 16762963, 31523374). (SP) 1208 - Inheritance information for this variant is not currently available in this individual. (I) Legend: (SP) - Supporting pathogenic, (I) - Information, (SB) - Supporting benign

Baylor Genetics
Classification: Pathogenic for Joubert syndrome with renal defect. Last evaluated: 2020-09-19. Review status: criteria provided, single submitter. Criteria: ACMG Guidelines, 2015. Collection method: clinical testing. Allele origin: unknown. Affected: yes.
Comment: This variant was determined to be pathogenic according to ACMG Guidelines, 2015 [PMID:25741868]. The c.1756C>T (p.R586*) variant has been previously reported as disease-causing in multiple patients [PMID 10620543, 17855640, 27806791, 25525159]

Blueprint Genetics
Classification: Pathogenic for NPHP1-related disorders. Last evaluated: 2019-08-06. Review status: criteria provided, single submitter. Criteria: ACMG Guidelines, 2015. Collection method: clinical testing. Allele origin: germline. Affected: yes. Observed: 1 variant allele.

PreventionGenetics, part of Exact Sciences
Classification: Pathogenic for NPHP1-related condition. Last evaluated: 2024-09-24. Review status: no assertion criteria provided. Collection method: clinical testing. Allele origin: germline. Not counted in ClinVar's aggregate classification.
Comment: The NPHP1 c.1756C>T variant is predicted to result in premature protein termination (p.Arg586*). This variant has been reported in individuals with nephronophthisis (Caridi et al. 2000. PubMed ID: 10620543; Hoefele et al. 2007. PubMed ID: 17855640; Caridi et al. 2006. PubMed ID: 16762963; and Chen et al. 2019. PubMed ID: 31523374). This variant is reported in 0.0054% of alleles in individuals of East Asian descent in gnomAD. Nonsense variants in NPHP1 are expected to be pathogenic (Halbritter et al. 2013. PubMed ID: 23559409). This variant is interpreted as pathogenic.

Literature cited by the submitters: PubMed 23559409 (cited by Labcorp Genetics (formerly Invitae), Labcorp); PubMed 10620543 (cited by 3 submitters); PubMed 17855640 (cited by Labcorp Genetics (formerly Invitae), Labcorp and Baylor Genetics); PubMed 27806791 (cited by Labcorp Genetics (formerly Invitae), Labcorp and Baylor Genetics); PubMed 16762963 (cited by Victorian Clinical Genetics Services, Murdoch Childrens Research Institute); PubMed 31523374 (cited by Victorian Clinical Genetics Services, Murdoch Childrens Research Institute); PubMed 25525159 (cited by Baylor Genetics).

NM_001128178.3(NPHP1):c.1588C>T (p.Arg530Ter)

Gene: NPHP1 (nephrocystin 1; minus strand). Cytogenetic location: 2q13.
Variant type: single nucleotide variant.
Coding change: c.1588C>T on transcript NM_001128178.3 (MANE Select); coding-DNA position 1588, C replaced by T.
Protein change: p.Arg530Ter; replaces arginine 530 with a stop codon.
Molecular consequence: nonsense.
Genome position (GRCh38, 1-based): chr2:110,131,733, G>A on the plus strand (C>T on the coding strand, the complement: NPHP1 is on the minus strand). VCF-style: chr2-110131733-G-A. GRCh37 (hg19) VCF-style: chr2-110889310-G-A.
Other names: c.1756C>T, p.Arg586Ter (NM_000272.5); c.1399C>T, p.Arg467Ter (NM_001128179.3); c.1585C>T, p.Arg529Ter (NM_001374256.1); c.1588C>T, p.Arg530Ter (NM_001374257.1); c.1753C>T, p.Arg585Ter (NM_207181.4); c.1588C>T (NM_001128178.1); short protein forms R530*, R529*, R585*, R586*, R467*.
Identifiers: ClinVar variation 1030710 (VCV001030710.16), dbSNP rs547352656, ClinGen allele CA1826966.